The following is an entry in ClinVar:

ClinVar aggregate classification (germline): Uncertain significance (1 of 4 stars; one submission).

Allele frequency attached by ClinVar (database versions not stated): gnomAD exomes below 0.00001.
gnomAD v4.1: 2 of 1,613,726 alleles (0.00012%); highest among the groups gnomAD compares: Non-Finnish European, 0.00017%; no homozygotes.

Submission:

Ambry Genetics
Classification: Uncertain significance. Last evaluated: 2022-06-02. Review status: criteria provided, single submitter. Criteria: Ambry Variant Classification Scheme 2023. Collection method: clinical testing. Allele origin: germline.
Comment: The p.Q181R variant (also known as c.542A>G), located in coding exon 6 of the NPAT gene, results from an A to G substitution at nucleotide position 542. The glutamine at codon 181 is replaced by arginine, an amino acid with highly similar properties. This amino acid position is conserved. In addition, this alteration is predicted to be tolerated by in silico analysis. Since supporting evidence is limited at this time, the clinical significance of this alteration remains unclear.

NM_002519.3(NPAT):c.542A>G (p.Gln181Arg)

Gene: NPAT (nuclear protein, coactivator of histone transcription; minus strand). Cytogenetic location: 11q22.3.
Variant type: single nucleotide variant.
Coding change: c.542A>G on transcript NM_002519.3 (MANE Select); coding-DNA position 542, A replaced by G.
Protein change: p.Gln181Arg; replaces glutamine 181 with arginine.
Molecular consequence: missense variant.
Genome position (GRCh38, 1-based): chr11:108,189,120, T>C on the plus strand (A>G on the coding strand, the complement: NPAT is on the minus strand). VCF-style: chr11-108189120-T-C. GRCh37 (hg19) VCF-style: chr11-108059847-T-C.
Other names: c.542A>G, p.Gln181Arg (NM_001321307.1); short protein forms Q181R.
Identifiers: ClinVar variation 1747487 (VCV001747487.2), dbSNP rs2496745247, ClinGen allele CA382524039.
Genomic context (GRCh38, chr11:108,189,120, plus strand): 5'-CAATTTGATTAACAACAAAATTTAAGAGAACAAAATGTAAACTTACTGGTTACAGTATCT[T>C]GTGACTGTGAGTGGTTGACCACTACAAAATATGACCTCGATGGATCTGAAATTTGGCCAC-3'
Protein context (NP_002510.2, residues 171-191): YFVVVNHSQS[Gln181Arg]DTVTTGEALN